The following is an entry in ClinVar:

NM_001194.4(HCN2):c.1367C>T (p.Ala456Val)

Gene: HCN2 (hyperpolarization activated cyclic nucleotide gated potassium and sodium channel 2; plus strand). Cytogenetic location: 19p13.3.
Variant type: single nucleotide variant.
Coding change: c.1367C>T on transcript NM_001194.4 (MANE Select); coding-DNA position 1367, C replaced by T.
Protein change: p.Ala456Val; replaces alanine 456 with valine.
Molecular consequence: missense variant.
Genome position (GRCh38, 1-based): chr19:608,112, C>T. VCF-style: chr19-608112-C-T. GRCh37 (hg19) VCF-style: chr19-608112-C-T.
Other names: short protein forms A456V.
Identifiers: ClinVar variation 1326485 (VCV001326485.3), dbSNP rs1983484636, ClinGen allele CA402877822.

ClinVar aggregate classification (germline): Uncertain significance (1 of 4 stars; one submission).

Submission:

GeneDx
Classification: Uncertain significance. Last evaluated: 2026-02-04. Review status: criteria provided, single submitter. Criteria: GeneDx Variant Classification Process June 2021. Collection method: clinical testing. Allele origin: germline. Affected: yes.
Comment: Not observed at significant frequency in large population cohorts (gnomAD); In silico analysis supports that this missense variant has a deleterious effect on protein structure/function; Has not been previously published as pathogenic or benign to our knowledge